The following is an entry in ClinVar:

NM_017617.5(NOTCH1):c.2207+16G>A

Gene: NOTCH1 (notch receptor 1; minus strand). Cytogenetic location: 9q34.3.
Variant type: single nucleotide variant.
Coding change: c.2207+16G>A on transcript NM_017617.5 (MANE Select); 16 bases into the intron after coding-DNA position 2207, G replaced by A.
Molecular consequence: intron variant.
Genome position (GRCh38, 1-based): chr9:136,514,494, C>T on the plus strand (G>A on the coding strand, the complement: NOTCH1 is on the minus strand). VCF-style: chr9-136514494-C-T. GRCh37 (hg19) VCF-style: chr9-139408946-C-T.
Other names: c.2207+16G>A (LRG_1122t1, NM_017617.4).
Identifiers: ClinVar variation 508224 (VCV000508224.35), dbSNP rs200956009, ClinGen allele CA5341451.

ClinVar aggregate classification (germline): Benign/Likely benign. Review status: criteria provided, multiple submitters, no conflicts (2 of 4 stars). 7 submissions from 6 submitters: Benign (5); Likely benign (2). Last evaluated 2026-06-01.

Conditions:
Aortic valve disease 1 (AOVD1). Identifiers: MedGen C3887892, MONDO:0024523, OMIM 109730.
Adams-Oliver syndrome 5 (AOS5). Identifiers: Orphanet 974, MedGen C4014970, MONDO:0014459, OMIM 616028.

Allele frequency attached by ClinVar (database versions not stated): gnomAD exomes 0.00016 and 0.00041; ExAC 0.00121; gnomAD 0.00131 and 0.00139; ESP Exome Variant Server 0.00132; TOPMed 0.00161; 1000 Genomes Project 30x 0.00172; 1000 Genomes Project 0.00180.
gnomAD v4.1: 428 of 1,555,828 alleles (0.028%); highest among the groups gnomAD compares: African/African-American, 0.45%; 1 homozygote.

Submissions (7):

CeGaT Center for Human Genetics Tuebingen
Classification: Benign. Last evaluated: 2026-06-01. Review status: criteria provided, single submitter. Criteria: CeGaT Center For Human Genetics Tuebingen Variant Classification Criteria Version 2. Collection method: clinical testing. Allele origin: germline. Affected: yes. Observed: 2 variant alleles.
Comment: NOTCH1: BS1, BS2

Labcorp Genetics (formerly Invitae), Labcorp
Classification: Benign for Adams-Oliver syndrome 5. Last evaluated: 2026-01-27. Review status: criteria provided, single submitter. Criteria: Invitae Variant Classification Sherloc (09022015). Collection method: clinical testing. Allele origin: germline.

Blueprint Genetics
Classification: Likely benign. Last evaluated: 2024-10-18. Review status: criteria provided, single submitter. Criteria: ACMG Guidelines, 2015. Collection method: clinical testing. Allele origin: germline.

Women's Health and Genetics/Laboratory Corporation of America, LabCorp
Classification: Benign. Last evaluated: 2023-08-10. Review status: criteria provided, single submitter. Criteria: LabCorp Variant Classification Summary - May 2015. Collection method: clinical testing. Allele origin: germline.

Genome-Nilou Lab
Classification: Benign for Adams-Oliver syndrome 5. Last evaluated: 2022-03-15. Review status: criteria provided, single submitter. Criteria: ACMG Guidelines, 2015. Collection method: clinical testing. Allele origin: germline. Affected: no.

Genome-Nilou Lab
Classification: Benign for Aortic valve disease 1. Last evaluated: 2022-03-15. Review status: criteria provided, single submitter. Criteria: ACMG Guidelines, 2015. Collection method: clinical testing. Allele origin: germline. Affected: no.

GeneDx
Classification: Likely benign. Last evaluated: 2018-03-15. Review status: criteria provided, single submitter. Criteria: GeneDx Variant Classification (06012015). Collection method: clinical testing. Allele origin: germline. Affected: yes.
Comment: This variant is considered likely benign or benign based on one or more of the following criteria: it is a conservative change, it occurs at a poorly conserved position in the protein, it is predicted to be benign by multiple in silico algorithms, and/or has population frequency not consistent with disease.

Literature cited by the submitters: PubMed 16614245 (cited by Women's Health and Genetics/Laboratory Corporation of America, LabCorp); PubMed 19635999 (cited by Women's Health and Genetics/Laboratory Corporation of America, LabCorp); PubMed 19245433 (cited by Women's Health and Genetics/Laboratory Corporation of America, LabCorp); PubMed 22858860 (cited by Women's Health and Genetics/Laboratory Corporation of America, LabCorp).